The following is an entry in ClinVar:

NM_001160148.2(DDHD1):c.2437+7T>G

Gene: DDHD1 (DDHD domain containing 1; minus strand). Cytogenetic location: 14q22.1.
Variant type: single nucleotide variant.
Coding change: c.2437+7T>G on transcript NM_001160148.2 (MANE Select); 7 bases into the intron after coding-DNA position 2437, T replaced by G.
Molecular consequence: intron variant.
Genome position (GRCh38, 1-based): chr14:53,054,431, A>C on the plus strand (T>G on the coding strand, the complement: DDHD1 is on the minus strand). VCF-style: chr14-53054431-A-C. GRCh37 (hg19) VCF-style: chr14-53521149-A-C.
Other names: c.2458+7T>G (NM_001160147.1, NM_001160147.2); c.2437+7T>G (NM_030637.3).
Identifiers: ClinVar variation 2080953 (VCV002080953.7), dbSNP rs577522938, ClinGen allele CA7190997.

ClinVar aggregate classification (germline): Likely benign. Review status: criteria provided, multiple submitters, no conflicts (2 of 4 stars). 3 submissions from 3 submitters: Likely benign (2). 1 of the submissions does not count toward it. Last evaluated 2025-10-14.

Conditions:
DDHD1-related disorder. Also called: DDHD1-related condition.
Hereditary spastic paraplegia 28. Also called: Spastic paraplegia 28, autosomal recessive. Identifiers: Orphanet 101008, MedGen C1836295, MONDO:0012256, OMIM 609340.

Allele frequency attached by ClinVar (database versions not stated): ExAC 0.00001; gnomAD exomes 0.00001; TOPMed 0.00002; gnomAD 0.00003; 1000 Genomes Project 30x 0.00016; 1000 Genomes Project 0.00020.
gnomAD v4.1: 17 of 1,612,206 alleles (0.0011%); highest among the groups gnomAD compares: Middle Eastern, 0.017%; no homozygotes.

Submissions (3):

Labcorp Genetics (formerly Invitae), Labcorp
Classification: Likely benign for Hereditary spastic paraplegia 28. Last evaluated: 2025-10-14. Review status: criteria provided, single submitter. Criteria: Invitae Variant Classification Sherloc (09022015). Collection method: clinical testing. Allele origin: germline.

Breakthrough Genomics
Classification: Likely benign. Review status: criteria provided, single submitter. Criteria: ACMG Guidelines, 2015. Collection method: not provided. Allele origin: germline. Inheritance: Autosomal recessive inheritance. Affected: yes.

PreventionGenetics, part of Exact Sciences
Classification: Likely benign for DDHD1-related condition. Last evaluated: 2019-06-19. Review status: no assertion criteria provided. Collection method: clinical testing. Allele origin: germline. Not counted in ClinVar's aggregate classification.
Comment: This variant is classified as likely benign based on ACMG/AMP sequence variant interpretation guidelines (Richards et al. 2015 PMID: 25741868, with internal and published modifications).